The following is an entry in ClinVar:

ClinVar aggregate classification (germline): Uncertain significance (1 of 4 stars; one submission).

Submission:

Labcorp Genetics (formerly Invitae), Labcorp
Classification: Uncertain significance. Last evaluated: 2022-11-22. Review status: criteria provided, single submitter. Criteria: Invitae Variant Classification Sherloc (09022015). Collection method: clinical testing. Allele origin: germline.
Comment: In summary, the available evidence is currently insufficient to determine the role of this variant in disease. Therefore, it has been classified as a Variant of Uncertain Significance. Advanced modeling of protein sequence and biophysical properties (such as structural, functional, and spatial information, amino acid conservation, physicochemical variation, residue mobility, and thermodynamic stability) performed at Invitae indicates that this missense variant is not expected to disrupt CDH23 protein function. This variant has not been reported in the literature in individuals affected with CDH23-related conditions. This variant is not present in population databases (gnomAD no frequency). This sequence change replaces leucine, which is neutral and non-polar, with arginine, which is basic and polar, at codon 319 of the CDH23 protein (p.Leu319Arg).

NM_022124.6(CDH23):c.956T>G (p.Leu319Arg)

Gene: CDH23 (cadherin related 23; plus strand). Cytogenetic location: 10q22.1.
Variant type: single nucleotide variant.
Coding change: c.956T>G on transcript NM_022124.6 (MANE Select); coding-DNA position 956, T replaced by G.
Protein change: p.Leu319Arg; replaces leucine 319 with arginine.
Molecular consequence: missense variant.
Genome position (GRCh38, 1-based): chr10:71,617,215, T>G. VCF-style: chr10-71617215-T-G. GRCh37 (hg19) VCF-style: chr10-73376972-T-G.
Other names: c.956T>G, p.Leu319Arg (NM_001171930.2, NM_001171931.2, NM_001171932.2 and 1 more transcripts); short protein forms L319R.
Identifiers: ClinVar variation 2132067 (VCV002132067.4), dbSNP rs2493703742, ClinGen allele CA377121921.
Genomic context (GRCh38, chr10:71,617,215, plus strand): 5'-TTGCTGTGATTAGCTGCCTTCACTCCGGGGTGACTGATCTCTGTCCATAGGGCACGGAGC[T>G]GAACGATGACCGCACCCCATCTGACGCTACAGTCACCACGACCTTCAATATCCTGGTTAT-3'
Protein context (NP_071407.4, residues 309-329): GFILTVKGTE[Leu319Arg]NDDRTPSDAT